The following is an entry in ClinVar:

ClinVar aggregate classification (germline): Likely benign. Review status: criteria provided, single submitter (1 of 4 stars). 2 submissions from 2 submitters: Likely benign (1). 1 of the submissions does not count toward it. Last evaluated 2023-03-07.

Conditions:
TTC8-related disorder. Also called: TTC8-related condition.
Bardet-Biedl syndrome (BBS). Identifiers: Orphanet 110, MedGen C0752166, MONDO:0015229.

Allele frequency attached by ClinVar (database versions not stated): gnomAD exomes below 0.00001; gnomAD 0.00001.
gnomAD v4.1: 3 of 1,613,818 alleles (0.00019%); highest among the groups gnomAD compares: Non-Finnish European, 0.00025%; no homozygotes.

Submissions (2):

Labcorp Genetics (formerly Invitae), Labcorp
Classification: Likely benign for Bardet-Biedl syndrome. Last evaluated: 2023-03-07. Review status: criteria provided, single submitter. Criteria: Invitae Variant Classification Sherloc (09022015). Collection method: clinical testing. Allele origin: germline.

PreventionGenetics, part of Exact Sciences
Classification: Likely benign for TTC8-related condition. Last evaluated: 2023-03-20. Review status: no assertion criteria provided. Collection method: clinical testing. Allele origin: germline. Not counted in ClinVar's aggregate classification.
Comment: This variant is classified as likely benign based on ACMG/AMP sequence variant interpretation guidelines (Richards et al. 2015 PMID: 25741868, with internal and published modifications).

NM_144596.4(TTC8):c.729A>G (p.Glu243=)

Gene: TTC8 (tetratricopeptide repeat domain 8; plus strand). Cytogenetic location: 14q31.3.
Variant type: single nucleotide variant.
Coding change: c.729A>G on transcript NM_144596.4 (MANE Select); coding-DNA position 729, A replaced by G.
Protein change: p.Glu243=; no amino-acid change (glutamic acid 243 retained).
Molecular consequence: synonymous variant. On other transcripts: non-coding transcript variant (1).
Genome position (GRCh38, 1-based): chr14:88,857,208, A>G. VCF-style: chr14-88857208-A-G. GRCh37 (hg19) VCF-style: chr14-89323552-A-G.
Other names: c.729A>G (NM_144596.3); c.777A>G, p.Glu259= (NM_001288781.1); c.135A>G, p.Glu45= (NM_001288782.1); c.12A>G, p.Glu4= (NM_001288783.1); c.699A>G, p.Glu233= (NM_001366535.2, NM_198309.3); c.609A>G, p.Glu203= (NM_001366536.2, NM_198310.3).
Identifiers: ClinVar variation 3021299 (VCV003021299.4), dbSNP rs2094860637, ClinGen allele CA487522323.